The following is an entry in ClinVar:

NM_017946.4(FKBP14):c.215G>A (p.Gly72Asp)

Genes: FKBP14-AS1 (FKBP14 antisense RNA 1; plus strand), FKBP14 (FKBP prolyl isomerase 14; minus strand). Cytogenetic location: 7p14.3.
Variant type: single nucleotide variant.
Coding change: c.215G>A on transcript NM_017946.4 (MANE Select); coding-DNA position 215, G replaced by A.
Protein change: p.Gly72Asp; replaces glycine 72 with aspartic acid.
Molecular consequence: missense variant. On other transcripts: non-coding transcript variant (1).
Genome position (GRCh38, 1-based): chr7:30,022,799, C>T on the plus strand (G>A on the coding strand, the complement: FKBP14 is on the minus strand). VCF-style: chr7-30022799-C-T. GRCh37 (hg19) VCF-style: chr7-30062415-C-T.
Other names: short protein forms G72D.
Identifiers: ClinVar variation 1786874 (VCV001786874.4), dbSNP rs949937945, ClinGen allele CA156003183.

ClinVar aggregate classification (germline): Uncertain significance. Review status: criteria provided, multiple submitters, no conflicts (2 of 4 stars). 2 submissions from 2 submitters: Uncertain significance (2). Last evaluated 2022-05-28.

Conditions:
Cardiovascular phenotype. Identifiers: MedGen CN230736.
Ehlers-Danlos syndrome, kyphoscoliotic type, 2. Also called: Ehlers-Danlos syndrome, kyphoscoliotic and deafness type; Ehlers-Danlos syndrome with progressive kyphoscoliosis, myopathy, and hearing loss; FKBP14-Kyphoscoliotic Ehlers-Danlos Syndrome. Identifiers: Orphanet 300179, MedGen C3281160, MONDO:0013800, OMIM 614557.

Allele frequency attached by ClinVar (database versions not stated): gnomAD exomes below 0.00001; TOPMed below 0.00001.
gnomAD v4.1: 3 of 1,613,600 alleles (0.00019%); highest among the groups gnomAD compares: African/African-American, 0.0027%; no homozygotes.

Submissions (2):

Labcorp Genetics (formerly Invitae), Labcorp
Classification: Uncertain significance for Ehlers-Danlos syndrome, kyphoscoliotic type, 2. Last evaluated: 2022-05-28. Review status: criteria provided, single submitter. Criteria: Invitae Variant Classification Sherloc (09022015). Collection method: clinical testing. Allele origin: germline.
Comment: This sequence change replaces glycine, which is neutral and non-polar, with aspartic acid, which is acidic and polar, at codon 72 of the FKBP14 protein (p.Gly72Asp). This variant is not present in population databases (gnomAD no frequency). This variant has not been reported in the literature in individuals affected with FKBP14-related conditions. Algorithms developed to predict the effect of missense changes on protein structure and function are either unavailable or do not agree on the potential impact of this missense change (SIFT: "Tolerated"; PolyPhen-2: "Possibly Damaging"; Align-GVGD: "Class C0"). In summary, the available evidence is currently insufficient to determine the role of this variant in disease. Therefore, it has been classified as a Variant of Uncertain Significance.

Ambry Genetics
Classification: Uncertain significance for Cardiovascular phenotype. Last evaluated: 2021-12-24. Review status: criteria provided, single submitter. Criteria: Ambry Variant Classification Scheme 2023. Collection method: clinical testing. Allele origin: germline.
Comment: The p.G72D variant (also known as c.215G>A), located in coding exon 2 of the FKBP14 gene, results from a G to A substitution at nucleotide position 215. The glycine at codon 72 is replaced by aspartic acid, an amino acid with similar properties. This amino acid position is conserved. In addition, this alteration is predicted to be tolerated by in silico analysis. Since supporting evidence is limited at this time, the clinical significance of this alteration remains unclear.